The following is an entry in ClinVar:

NM_006031.6(PCNT):c.3069C>T (p.His1023=)

Gene: PCNT (pericentrin; plus strand). Cytogenetic location: 21q22.3.
Variant type: single nucleotide variant.
Coding change: c.3069C>T on transcript NM_006031.6 (MANE Select); coding-DNA position 3069, C replaced by T.
Protein change: p.His1023=; no amino-acid change (histidine 1023 retained).
Molecular consequence: synonymous variant.
Genome position (GRCh38, 1-based): chr21:46,367,043, C>T. VCF-style: chr21-46367043-C-T. GRCh37 (hg19) VCF-style: chr21-47786958-C-T.
Other names: c.3069C>T (NM_006031.5); c.2715C>T, p.His905= (NM_001315529.2).
Identifiers: ClinVar variation 1989672 (VCV001989672.5), dbSNP rs772791850, ClinGen allele CA10079165.
Genomic context (GRCh38, chr21:46,367,043, plus strand): 5'-AAAGGACTCTCTTCACCAAACGATTTTGACTCAAGAGTTGGAGAAACTGAAGCGGAAACA[C>T]GAAGGGGAGCTACAGTCTGTGCGGGACCACCTGCGAACCGAAGTGAGCACAGAGCTCGCC-3'
Protein context (NP_006022.3, residues 1013-1033): TQELEKLKRK[His1023=]EGELQSVRDH

ClinVar aggregate classification (germline): Likely benign. Review status: criteria provided, multiple submitters, no conflicts (2 of 4 stars). 2 submissions from 2 submitters: Likely benign (2). Last evaluated 2024-11-15.

Conditions:
PCNT-related disorder. Also called: PCNT-related condition.

Allele frequency attached by ClinVar (database versions not stated): ExAC 0.00001; gnomAD 0.00004; TOPMed 0.00007.
gnomAD v4.1: 25 of 1,613,928 alleles (0.0015%); highest among the groups gnomAD compares: African/African-American, 0.013%; no homozygotes.

Submissions (2):

PreventionGenetics, part of Exact Sciences
Classification: Likely benign for PCNT-related condition. Last evaluated: 2024-11-15. Review status: criteria provided, single submitter. Criteria: ACMG Guidelines, 2015. Collection method: clinical testing. Allele origin: germline.
Comment: This variant is classified as likely benign based on ACMG/AMP sequence variant interpretation guidelines (Richards et al. 2015 PMID: 25741868, with internal and published modifications).

Labcorp Genetics (formerly Invitae), Labcorp
Classification: Likely benign. Last evaluated: 2024-02-05. Review status: criteria provided, single submitter. Criteria: Invitae Variant Classification Sherloc (09022015). Collection method: clinical testing. Allele origin: germline.